The following is an entry in ClinVar:

ClinVar aggregate classification (germline): Uncertain significance. Review status: criteria provided, multiple submitters, no conflicts (2 of 4 stars). 3 submissions from 3 submitters: Uncertain significance (3). Last evaluated 2023-04-11.

Conditions:
Intellectual disability-microcephaly-strabismus-behavioral abnormalities syndrome. Also called: White-Sutton Syndrome. Identifiers: Orphanet 468678, MedGen C4225351, MONDO:0014606, OMIM 616364.

Allele frequency attached by ClinVar (database versions not stated): 1000 Genomes Project 30x 0.00016; 1000 Genomes Project 0.00020.
gnomAD v4.1: 4 of 1,595,890 alleles (0.00025%); highest among the groups gnomAD compares: South Asian, 0.0046%; no homozygotes.

Submissions (3):

Genome-Nilou Lab
Classification: Uncertain significance for Intellectual disability-microcephaly-strabismus-behavioral abnormalities syndrome. Last evaluated: 2023-04-11. Review status: criteria provided, single submitter. Criteria: ACMG Guidelines, 2015. Collection method: clinical testing. Allele origin: germline. Affected: no.

Revvity Omics, Revvity
Classification: Uncertain significance for Intellectual disability-microcephaly-strabismus-behavioral abnormalities syndrome. Last evaluated: 2022-06-06. Review status: criteria provided, single submitter. Criteria: ACMG Guidelines, 2015. Collection method: clinical testing. Allele origin: germline.

New York Genome Center
Classification: Uncertain significance for Intellectual disability-microcephaly-strabismus-behavioral abnormalities syndrome. Last evaluated: 2021-04-23. Review status: criteria provided, single submitter. Criteria: NYGC Assertion Criteria 2020. Collection method: clinical testing. Allele origin: germline. Observed: 1 heterozygote. Study: CSER-NYCKidSeq.
Comment: The heterozygous c.2197G>A (p.Val733Ile) missense variant identified in the POGZ gene has not been reported in affected individuals in the literature. The variant has 0.000006575 allele frequency in the gnomAD(v3) database (1 out of 152,084 heterozygous alleles, no homozygotes) suggesting it is not a common benign variant in the populations represented in that database. In silico tools provide conflicting predictions about potential pathogenicity of this variant. Based on the available evidence, the heterozygous c.2197G>A (p.Val733Ile)missense variant identified in the POGZ gene is reported as a variant of uncertain significance.

NM_015100.4(POGZ):c.2197G>A (p.Val733Ile)

Gene: POGZ (pogo transposable element derived with ZNF domain; minus strand). Cytogenetic location: 1q21.3.
Variant type: single nucleotide variant.
Coding change: c.2197G>A on transcript NM_015100.4 (MANE Select); coding-DNA position 2197, G replaced by A.
Protein change: p.Val733Ile; replaces valine 733 with isoleucine.
Molecular consequence: missense variant.
Genome position (GRCh38, 1-based): chr1:151,408,446, C>T on the plus strand (G>A on the coding strand, the complement: POGZ is on the minus strand). VCF-style: chr1-151408446-C-T. GRCh37 (hg19) VCF-style: chr1-151380922-C-T.
Other names: c.2170G>A, p.Val724Ile (NM_001194937.2); c.2011G>A, p.Val671Ile (NM_001194938.2); c.1912G>A, p.Val638Ile (NM_145796.4); c.2038G>A, p.Val680Ile (NM_207171.2); short protein forms V638I, V671I, V680I, V724I, V733I.
Identifiers: ClinVar variation 1342587 (VCV001342587.5), dbSNP rs541476793, ClinGen allele CA1091246.